The following is an entry in ClinVar:

NM_000709.4(BCKDHA):c.410_426dup (p.Gly143fs)

Gene: BCKDHA (branched chain keto acid dehydrogenase E1 subunit alpha; plus strand). Cytogenetic location: 19q13.2.
Variant type: Duplication.
Coding change: c.410_426dup on transcript NM_000709.4 (MANE Select); coding-DNA positions 410 to 426, 17 bases duplicated (AGGAGGGCACGCACGTG).
Protein change: p.Gly143fs; shifts the reading frame from glycine 143.
Molecular consequence: frameshift variant.
Genome position (GRCh38, 1-based): chr19:41,414,083-41,414,099, AGGAGGGCACGCACGTG duplicated; duplicating any 17 consecutive bases within chr19:41,414,080-41,414,099 gives the same sequence; the c. name uses the placement nearest the transcript's 3' end. VCF-style (leftmost placement, unchanged base first): chr19-41414079-G-GGTGAGGAGGGCACGCAC. GRCh37 (hg19) VCF-style: chr19-41919984-G-GGTGAGGAGGGCACGCAC.
Other names: c.410_426dup, p.Gly143fs (NM_001164783.2); short protein forms G143fs.
Identifiers: ClinVar variation 2680124 (VCV002680124.5), dbSNP rs755433978, ClinGen allele CA9461132.

ClinVar aggregate classification (germline): Pathogenic/Likely pathogenic. Review status: criteria provided, multiple submitters, no conflicts (2 of 4 stars). 2 submissions from 2 submitters: Pathogenic (1); Likely pathogenic (1). Last evaluated 2025-12-21.

Conditions:
Maple syrup urine disease (MSUD). Identifiers: Orphanet 511, MedGen C0024776, MeSH D008375, MONDO:0009563. Disease mechanism: loss of function.
Maple syrup urine disease type 1A (MSUD1A). Also called: MSUD type 1A. Identifiers: MedGen C1855369, MONDO:0023691, OMIM 248600.

Submissions (2):

Labcorp Genetics (formerly Invitae), Labcorp
Classification: Pathogenic for Maple syrup urine disease. Last evaluated: 2025-12-21. Review status: criteria provided, single submitter. Criteria: Invitae Variant Classification Sherloc (09022015). Collection method: clinical testing. Allele origin: germline.
Comment: This sequence change creates a premature translational stop signal (p.Gly143Argfs*28) in the BCKDHA gene. It is expected to result in an absent or disrupted protein product. Loss-of-function variants in BCKDHA are known to be pathogenic (PMID: 16786533, 22593002). This variant is present in population databases (rs755433978, gnomAD 0.0009%). This variant has not been reported in the literature in individuals affected with BCKDHA-related conditions. ClinVar contains an entry for this variant (Variation ID: 2680124). For these reasons, this variant has been classified as Pathogenic.

Baylor Genetics
Classification: Likely pathogenic for Maple syrup urine disease type 1A. Last evaluated: 2024-03-04. Review status: criteria provided, single submitter. Criteria: ACMG Guidelines, 2015. Collection method: clinical testing. Allele origin: unknown.

Literature cited by the submitters: PubMed 16786533 (cited by Labcorp Genetics (formerly Invitae), Labcorp); PubMed 22593002 (cited by Labcorp Genetics (formerly Invitae), Labcorp).